The following is an entry in ClinVar:

NM_030958.3(SLCO5A1):c.997C>A (p.Pro333Thr)

Gene: SLCO5A1 (solute carrier organic anion transporter family member 5A1; minus strand). Cytogenetic location: 8q13.3.
Variant type: single nucleotide variant.
Coding change: c.997C>A on transcript NM_030958.3 (MANE Select); coding-DNA position 997, C replaced by A.
Protein change: p.Pro333Thr; replaces proline 333 with threonine.
Molecular consequence: missense variant.
Genome position (GRCh38, 1-based): chr8:69,761,786, G>T on the plus strand (C>A on the coding strand, the complement: SLCO5A1 is on the minus strand). VCF-style: chr8-69761786-G-T. GRCh37 (hg19) VCF-style: chr8-70674021-G-T.
Other names: c.997C>A, p.Pro333Thr (NM_001146008.2, NM_001146009.1); short protein forms P333T.
Identifiers: ClinVar variation 3717718 (VCV003717718.2).

ClinVar aggregate classification (germline): Uncertain significance (1 of 4 stars; one submission).

gnomAD v4.1: 33 of 1,613,860 alleles (0.002%); highest among the groups gnomAD compares: Middle Eastern, 0.033%; no homozygotes.

Submission:

Labcorp Genetics (formerly Invitae), Labcorp
Classification: Uncertain significance. Last evaluated: 2026-01-19. Review status: criteria provided, single submitter. Criteria: Invitae Variant Classification Sherloc (09022015). Collection method: clinical testing. Allele origin: germline.
Comment: This sequence change replaces proline, which is neutral and non-polar, with threonine, which is neutral and polar, at codon 333 of the SLCO5A1 protein (p.Pro333Thr). This variant is present in population databases (rs140940538, gnomAD 0.04%). This variant has not been reported in the literature in individuals affected with SLCO5A1-related conditions. ClinVar contains an entry for this variant (Variation ID: 3717718). An algorithm developed to predict the effect of missense changes on protein structure and function (PolyPhen-2) suggests that this variant is likely to be tolerated. In summary, the available evidence is currently insufficient to determine the role of this variant in disease. Therefore, it has been classified as a Variant of Uncertain Significance.